The following is an entry in ClinVar:

ClinVar aggregate classification (germline): Pathogenic (1 of 4 stars; one submission).

Conditions:
Zellweger spectrum disorders (ZS). Also called: Zellweger Spectrum Disorder (ZSD); Zellweger syndrome; Zellweger Spectrum Disorder; Zellweger Spectrum. Identifiers: Orphanet 912, MedGen C0043459, MONDO:0019609.

Submission:

Labcorp Genetics (formerly Invitae), Labcorp
Classification: Pathogenic for Zellweger spectrum disorders. Last evaluated: 2023-03-09. Review status: criteria provided, single submitter. Criteria: Invitae Variant Classification Sherloc (09022015). Collection method: clinical testing. Allele origin: germline.
Comment: This sequence change affects the initiator methionine of the PEX1 mRNA. The next in-frame methionine is located at codon 209. This variant is not present in population databases (gnomAD no frequency). Disruption of the initiator codon has been observed in individuals with PEX1-related conditions (PMID: 21031596, 28468868). For these reasons, this variant has been classified as Pathogenic.

Literature cited by the submitters: PubMed 21031596; PubMed 28468868.

NC_000007.14:g.92528411_92528711del

Genes: PEX1 (peroxisomal biogenesis factor 1; minus strand), LOC129998796 (ATAC-STARR-seq lymphoblastoid silent region 18372; plus strand). Cytogenetic location: 7q21.2.
Variant type: Deletion.
Genome position: GRCh38: chr7:92,528,411-92,528,711. GRCh37 (hg19): chr7:92,157,725-92,158,025.
Identifiers: ClinVar variation 1395451 (VCV001395451.8), dbSNP rs2116299216, ClinGen allele CA2573142565.